The following is an entry in ClinVar:

NM_001378615.1(CC2D2A):c.4209G>T (p.Glu1403Asp)

Genes: CC2D2A (coiled-coil and C2 domain containing 2A; plus strand), FBXL5 (F-box and leucine rich repeat protein 5; minus strand). Cytogenetic location: 4p15.32.
Variant type: single nucleotide variant.
Coding change: c.4209G>T on transcript NM_001378615.1 (MANE Select); coding-DNA position 4209, G replaced by T.
Protein change: p.Glu1403Asp; replaces glutamic acid 1403 with aspartic acid.
Molecular consequence: missense variant.
Genome position (GRCh38, 1-based): chr4:15,589,574, G>T. VCF-style: chr4-15589574-G-T. GRCh37 (hg19) VCF-style: chr4-15591197-G-T.
Other names: c.4209G>T, p.Glu1403Asp (NM_001080522.2); c.4062G>T, p.Glu1354Asp (NM_001378617.1); short protein forms E1403D, E1354D.
Identifiers: ClinVar variation 1427845 (VCV001427845.4), dbSNP rs751624828, ClinGen allele CA2864352.
Genomic context (GRCh38, chr4:15,589,574, plus strand): 5'-AAAACTAGTTTTAATGGCCATCTTCTTTCAGGGTCCAACTGCCTATGTGCTAACTTGGGA[G>T]CAAGGTCGTTATTTAATATGGAATCCCTGCAGTGGACATTTTTATGGACAATTTGATACA-3'
Protein context (NP_001365544.1, residues 1393-1413): EGPTAYVLTW[Glu1403Asp]QGRYLIWNPC

ClinVar aggregate classification (germline): Uncertain significance. Review status: criteria provided, multiple submitters, no conflicts (2 of 4 stars). 2 submissions from 2 submitters: Uncertain significance (2). Last evaluated 2023-10-24.

Conditions:
Joubert syndrome. Also called: JOUBERT-BOLTSHAUSER SYNDROME; Familial aplasia of the vermis. Identifiers: Orphanet 475, MedGen C5979921, MONDO:0018772.
Meckel-Gruber syndrome. Also called: DYSENCEPHALIA SPLANCHNOCYSTICA; GRUBER SYNDROME; Dysencephalia splachnocystica. Identifiers: Orphanet 564, MedGen C0265215, MONDO:0018921.

Allele frequency attached by ClinVar (database versions not stated): ExAC 0.00001; gnomAD 0.00001; TOPMed 0.00001.
gnomAD v4.1: 13 of 1,612,338 alleles (0.00081%); highest among the groups gnomAD compares: Admixed American, 0.0017%; no homozygotes.

Submissions (2):

Blueprint Genetics
Classification: Uncertain significance. Last evaluated: 2023-10-24. Review status: criteria provided, single submitter. Criteria: ACMG Guidelines, 2015. Collection method: clinical testing. Allele origin: germline.

Labcorp Genetics (formerly Invitae), Labcorp
Classification: Uncertain significance for Joubert syndrome; Meckel-Gruber syndrome. Last evaluated: 2021-12-07. Review status: criteria provided, single submitter. Criteria: Invitae Variant Classification Sherloc (09022015). Collection method: clinical testing. Allele origin: germline.
Comment: This sequence change replaces glutamic acid, which is acidic and polar, with aspartic acid, which is acidic and polar, at codon 1403 of the CC2D2A protein (p.Glu1403Asp). This variant is present in population databases (rs751624828, gnomAD 0.0009%). This variant has not been reported in the literature in individuals affected with CC2D2A-related conditions. Advanced modeling of protein sequence and biophysical properties (such as structural, functional, and spatial information, amino acid conservation, physicochemical variation, residue mobility, and thermodynamic stability) performed at Invitae indicates that this missense variant is expected to disrupt CC2D2A protein function. In summary, the available evidence is currently insufficient to determine the role of this variant in disease. Therefore, it has been classified as a Variant of Uncertain Significance.